The following is an entry in ClinVar:

ClinVar aggregate classification (germline): Pathogenic (1 of 4 stars; one submission).

Conditions:
Duchenne muscular dystrophy (DMD). Also called: Duchenne Muscular Dystrophy (DMD); MUSCULAR DYSTROPHY, PSEUDOHYPERTROPHIC PROGRESSIVE, DUCHENNE TYPE. Identifiers: Orphanet 98896, MedGen C0013264, MONDO:0010679, OMIM 310200.

Submission:

Labcorp Genetics (formerly Invitae), Labcorp
Classification: Pathogenic for Duchenne muscular dystrophy. Last evaluated: 2023-11-02. Review status: criteria provided, single submitter. Criteria: Invitae Variant Classification Sherloc (09022015). Collection method: clinical testing. Allele origin: germline.
Comment: This variant is a gross deletion of the genomic region encompassing exon(s) 8-43 of the DMD gene. This deletion is out-of-frame, and is expected to create a premature termination codon and result in an absent or disrupted protein product. Loss-of-function variants in DMD are known to be pathogenic (PMID: 16770791, 25007885). A similar copy number variant has been observed in individual(s) with Duchenne muscular dystrophy (PMID: 14977063). For these reasons, this variant has been classified as Pathogenic.

Literature cited by the submitters: PubMed 16770791; PubMed 25007885; PubMed 14977063.

NC_000023.10:g.(?_32305626)_(32717430_?)del

Gene: DMD (dystrophin; minus strand). Cytogenetic location: Xp21.1.
Variant type: Deletion.
Identifiers: ClinVar variation 1458298 (VCV001458298.7).